The following is an entry in ClinVar:

NM_000748.3(CHRNB2):c.270T>A (p.Tyr90Ter)

Gene: CHRNB2 (cholinergic receptor nicotinic beta 2 subunit; plus strand). Cytogenetic location: 1q21.3.
Variant type: single nucleotide variant.
Coding change: c.270T>A on transcript NM_000748.3 (MANE Select); coding-DNA position 270, T replaced by A.
Protein change: p.Tyr90Ter; replaces tyrosine 90 with a stop codon.
Molecular consequence: nonsense.
Genome position (GRCh38, 1-based): chr1:154,570,272, T>A. VCF-style: chr1-154570272-T-A. GRCh37 (hg19) VCF-style: chr1-154542748-T-A.
Other names: short protein forms Y90*.
Identifiers: ClinVar variation 3368547 (VCV003368547.1).
Genomic context (GRCh38, chr1:154,570,272, plus strand): 5'-CCACCCAGGGCACAAGTTGGTACTGCCTCCCTCTCTCATTTCCCAGGAGTGGGAAGATTA[T>A]CGCCTCACCTGGAAGCCTGAAGAGTTTGACAACATGAAGAAAGTTCGGCTCCCTTCCAAA-3'

ClinVar aggregate classification (germline): Uncertain significance (1 of 4 stars; one submission).

Submission:

GeneDx
Classification: Uncertain significance. Last evaluated: 2024-02-04. Review status: criteria provided, single submitter. Criteria: GeneDx Variant Classification Process June 2021. Collection method: clinical testing. Allele origin: germline. Affected: yes.
Comment: Not observed at significant frequency in large population cohorts (gnomAD); Nonsense variant predicted to result in protein truncation or nonsense mediated decay in a gene or region of a gene for which loss of function is not a well-established mechanism of disease; Has not been previously published as pathogenic or benign to our knowledge